The following is an entry in ClinVar:

NM_002907.4(RECQL):c.501+5_501+7delinsTGA

Gene: RECQL (RecQ like helicase; minus strand). Cytogenetic location: 12p12.1.
Variant type: Indel.
Coding change: c.501+5_501+7delinsTGA on transcript NM_002907.4 (MANE Select); bases 5 to 7 of the intron after coding-DNA position 501, GTT replaced by TGA.
Molecular consequence: intron variant.
Genome position (GRCh38, 1-based): chr12:21,486,472-21,486,474, AAC replaced by TCA on the plus strand (GTT replaced by TGA on the coding strand, the reverse complement: RECQL is on the minus strand). VCF-style: chr12-21486472-AAC-TCA. GRCh37 (hg19) VCF-style: chr12-21639406-AAC-TCA.
Other names: c.501+5_501+7delinsTGA (NM_032941.3).
Identifiers: ClinVar variation 1326685 (VCV001326685.2), dbSNP rs2137387312, ClinGen allele CA2573053642.

ClinVar aggregate classification (germline): Uncertain significance (1 of 4 stars; one submission).

Submission:

GeneDx
Classification: Uncertain significance. Last evaluated: 2021-05-26. Review status: criteria provided, single submitter. Criteria: GeneDx Variant Classification Process June 2021. Collection method: clinical testing. Allele origin: germline. Affected: yes.
Comment: Not observed at significant frequency in large population cohorts (Lek 2016); Has not been previously published as pathogenic or benign to our knowledge; In-silico analysis, which includes splice predictors and evolutionary conservation, is inconclusive as to whether the variant alters gene splicing. In the absence of RNA/functional studies, the actual effect of this sequence change is unknown.